The following is an entry in ClinVar:

NM_001077418.3(TMEM231):c.447G>A (p.Ala149=)

Gene: TMEM231 (transmembrane protein 231; minus strand). Cytogenetic location: 16q23.1.
Variant type: single nucleotide variant.
Coding change: c.447G>A on transcript NM_001077418.3 (MANE Select); coding-DNA position 447, G replaced by A.
Protein change: p.Ala149=; no amino-acid change (alanine 149 retained).
Molecular consequence: synonymous variant. On other transcripts: non-coding transcript variant (1).
Genome position (GRCh38, 1-based): chr16:75,545,487, C>T on the plus strand (G>A on the coding strand, the complement: TMEM231 is on the minus strand). VCF-style: chr16-75545487-C-T. GRCh37 (hg19) VCF-style: chr16-75579385-C-T.
Other names: c.606G>A, p.Ala202= (NM_001077416.2).
Identifiers: ClinVar variation 4787965 (VCV004787965.3).

ClinVar aggregate classification (germline): Likely benign. Review status: criteria provided, multiple submitters, no conflicts (2 of 4 stars). 3 submissions from 3 submitters: Likely benign (3). Last evaluated 2026-09-01.

Conditions:
Meckel syndrome, type 11 (MKS11). Identifiers: Orphanet 564, MedGen C3809352, MONDO:0014164, OMIM 615397.
Joubert syndrome 20 (JBTS20). Identifiers: Orphanet 475, MedGen C3554235, MONDO:0013994, OMIM 614970.

Submissions (3):

CeGaT Center for Human Genetics Tuebingen
Classification: Likely benign. Last evaluated: 2026-09-01. Review status: criteria provided, single submitter. Criteria: CeGaT Center For Human Genetics Tuebingen Variant Classification Criteria Version 2. Collection method: clinical testing. Allele origin: germline. Affected: yes. Observed: 1 variant allele.
Comment: TMEM231: BP4, BP7

Labcorp Genetics (formerly Invitae), Labcorp
Classification: Likely benign for Joubert syndrome 20; Meckel syndrome, type 11. Last evaluated: 2026-01-09. Review status: criteria provided, single submitter. Criteria: Invitae Variant Classification Sherloc (09022015). Collection method: clinical testing. Allele origin: germline.

Blueprint Genetics
Classification: Likely benign. Last evaluated: 2022-11-19. Review status: criteria provided, single submitter. Criteria: ACMG Guidelines, 2015. Collection method: clinical testing. Allele origin: germline.